The following is an entry in ClinVar:

NM_001134831.2(AHI1):c.325G>C (p.Glu109Gln)

Gene: AHI1 (Abelson helper integration site 1; minus strand). Cytogenetic location: 6q23.3.
Variant type: single nucleotide variant.
Coding change: c.325G>C on transcript NM_001134831.2 (MANE Select); coding-DNA position 325, G replaced by C.
Protein change: p.Glu109Gln; replaces glutamic acid 109 with glutamine.
Molecular consequence: missense variant.
Genome position (GRCh38, 1-based): chr6:135,466,238, C>G on the plus strand (G>C on the coding strand, the complement: AHI1 is on the minus strand). VCF-style: chr6-135466238-C-G. GRCh37 (hg19) VCF-style: chr6-135787376-C-G.
Other names: c.325G>C, p.Glu109Gln (NM_001134830.2, NM_001134832.2, NM_001350503.2 and 2 more transcripts); short protein forms E109Q.
Identifiers: ClinVar variation 2057394 (VCV002057394.4), dbSNP rs2485021307, ClinGen allele CA365751971.

ClinVar aggregate classification (germline): Uncertain significance (1 of 4 stars; one submission).

Conditions:
Joubert syndrome. Also called: CEREBELLOPARENCHYMAL DISORDER IV; JOUBERT-BOLTSHAUSER SYNDROME; Familial aplasia of the vermis. Identifiers: Orphanet 475, MedGen C5979921, MONDO:0018772.

Submission:

Labcorp Genetics (formerly Invitae), Labcorp
Classification: Uncertain significance for Joubert syndrome. Last evaluated: 2022-08-23. Review status: criteria provided, single submitter. Criteria: Invitae Variant Classification Sherloc (09022015). Collection method: clinical testing. Allele origin: germline.
Comment: In summary, the available evidence is currently insufficient to determine the role of this variant in disease. Therefore, it has been classified as a Variant of Uncertain Significance. Advanced modeling of protein sequence and biophysical properties (such as structural, functional, and spatial information, amino acid conservation, physicochemical variation, residue mobility, and thermodynamic stability) performed at Invitae indicates that this missense variant is not expected to disrupt AHI1 protein function. This variant has not been reported in the literature in individuals affected with AHI1-related conditions. This variant is not present in population databases (gnomAD no frequency). This sequence change replaces glutamic acid, which is acidic and polar, with glutamine, which is neutral and polar, at codon 109 of the AHI1 protein (p.Glu109Gln).